The following is an entry in ClinVar:

NM_000787.4(DBH):c.1335+13A>G

Gene: DBH (dopamine beta-hydroxylase; plus strand). Cytogenetic location: 9q34.2.
Variant type: single nucleotide variant.
Coding change: c.1335+13A>G on transcript NM_000787.4 (MANE Select); 13 bases into the intron after coding-DNA position 1335, A replaced by G.
Molecular consequence: intron variant.
Genome position (GRCh38, 1-based): chr9:133,651,790, A>G. VCF-style: chr9-133651790-A-G. GRCh37 (hg19) VCF-style: chr9-136516912-A-G.
Identifiers: ClinVar variation 365660 (VCV000365660.17), dbSNP rs7862391, ClinGen allele CA5313424.

ClinVar aggregate classification (germline): Benign. Review status: criteria provided, multiple submitters, no conflicts (2 of 4 stars). 5 submissions from 5 submitters: Benign (5). Last evaluated 2026-02-01.

Conditions:
Orthostatic hypotension 1 (ORTHYP1). Also called: Dopamine beta-hydroxylase deficiency; Orthostatic hypotension 1, due to DBH deficiency; NORADRENALINE DEFICIENCY; NOREPINEPHRINE DEFICIENCY. Identifiers: Orphanet 230, MedGen C4746777, MONDO:0009123, OMIM 223360.

Allele frequency attached by ClinVar (database versions not stated): gnomAD exomes 0.04595; ExAC 0.07012; gnomAD 0.08948; ESP Exome Variant Server 0.10109; 1000 Genomes Project 0.10304; TOPMed 0.10522.
gnomAD v4.1: 55,695 of 1,554,514 alleles (3.6%); highest among the groups gnomAD compares: African/African-American, 28%; 3,509 homozygotes.

Submissions (5):

Labcorp Genetics (formerly Invitae), Labcorp
Classification: Benign for Orthostatic hypotension 1. Last evaluated: 2026-02-01. Review status: criteria provided, single submitter. Criteria: Invitae Variant Classification Sherloc (09022015). Collection method: clinical testing. Allele origin: germline.

Blueprint Genetics
Classification: Benign. Last evaluated: 2024-11-27. Review status: criteria provided, single submitter. Criteria: ACMG Guidelines, 2015. Collection method: clinical testing. Allele origin: germline.

GeneDx
Classification: Benign. Last evaluated: 2021-05-11. Review status: criteria provided, single submitter. Criteria: GeneDx Variant Classification Process June 2021. Collection method: clinical testing. Allele origin: germline. Affected: yes.

Illumina Laboratory Services, Illumina
Classification: Benign for Orthostatic hypotension 1. Last evaluated: 2018-01-13. Review status: criteria provided, single submitter. Criteria: ICSL Variant Classification Criteria 13 December 2019. Collection method: clinical testing. Allele origin: germline.
Comment: This variant was observed in the ICSL laboratory as part of a predisposition screen in an ostensibly healthy population. It had not been previously curated by ICSL or reported in the Human Gene Mutation Database (HGMD: prior to June 1st, 2018), and was therefore a candidate for classification through an automated scoring system. Utilizing variant allele frequency, disease prevalence and penetrance estimates, and inheritance mode, an automated score was calculated to assess if this variant is too frequent to cause the disease. Based on the score and internal cut-off values, a variant classified as benign is not then subjected to further curation. The score for this variant resulted in a classification of benign for this disease.

Breakthrough Genomics
Classification: Benign. Review status: criteria provided, single submitter. Criteria: ACMG Guidelines, 2015. Collection method: not provided. Allele origin: germline. Inheritance: Autosomal recessive inheritance. Affected: yes.